The following is an entry in ClinVar:

NM_024408.4(NOTCH2):c.5123_5132delinsAGA (p.Ser1708_Leu1711delinsTer)

Gene: NOTCH2 (notch receptor 2; minus strand). Cytogenetic location: 1p12.
Variant type: Indel.
Coding change: c.5123_5132delinsAGA on transcript NM_024408.4 (MANE Select); coding-DNA positions 5123 to 5132, CTCTCTGGCT replaced by AGA.
Protein change: p.Ser1708_Leu1711delinsTer.
Molecular consequence: nonsense.
Genome position (GRCh38, 1-based): chr1:119,922,317-119,922,326, AGCCAGAGAG replaced by TCT on the plus strand (CTCTCTGGCT replaced by AGA on the coding strand, the reverse complement: NOTCH2 is on the minus strand). VCF-style: chr1-119922317-AGCCAGAGAG-TCT. GRCh37 (hg19) VCF-style: chr1-120464940-AGCCAGAGAG-TCT.
Identifiers: ClinVar variation 1028812 (VCV001028812.1), dbSNP rs1649314295, ClinGen allele CA1192511549.
Genomic context (GRCh38, chr1:119,922,317, plus strand): 5'-CCCACTGGCTCACGACGCTTGTGATTGCTTGCATCTCGGCGAAGAGTGAAACCTTCAGGC[AGCCAGAGAG>TCT]AGCCATGCTTACGCTTTCGTTTTGCCATGATTACCCCCAGCAGAATAATAAACAGAATGA-3'

ClinVar aggregate classification (germline): Pathogenic (1 of 4 stars; one submission).

Conditions:
Hajdu-Cheney syndrome (HJCYS). Also called: Acroosteolysis dominant type; SERPENTINE FIBULA-POLYCYSTIC KIDNEY SYNDROME; ACROOSTEOLYSIS WITH OSTEOPOROSIS AND CHANGES IN SKULL AND MANDIBLE. Identifiers: Orphanet 955, MedGen C0917715, MONDO:0007057, OMIM 102500.

Submission:

Baylor Genetics
Classification: Pathogenic for Hajdu-Cheney syndrome. Last evaluated: 2019-08-06. Review status: criteria provided, single submitter. Criteria: ACMG Guidelines, 2015. Collection method: clinical testing. Allele origin: unknown. Affected: yes.
Comment: This variant was determined to be pathogenic according to ACMG Guidelines, 2015 [PMID:25741868].